The following is an entry in ClinVar:

ClinVar aggregate classification (germline): Uncertain significance (1 of 4 stars; one submission).

Conditions:
Autosomal recessive limb-girdle muscular dystrophy type 2A (LGMDR1). Also called: LEYDEN-MOEBIUS MUSCULAR DYSTROPHY; MUSCULAR DYSTROPHY, PELVOFEMORAL; Limb-girdle muscular dystrophy, type 2A; Calpainopathy; Muscular dystrophy, limb-girdle, type 2A, Amish. Identifiers: Orphanet 267, MedGen C1869123, MONDO:0009675, OMIM 253600. Disease mechanism: loss of function.

Submission:

Labcorp Genetics (formerly Invitae), Labcorp
Classification: Uncertain significance for Autosomal recessive limb-girdle muscular dystrophy type 2A. Last evaluated: 2024-03-01. Review status: criteria provided, single submitter. Criteria: Invitae Variant Classification Sherloc (09022015). Collection method: clinical testing. Allele origin: germline.
Comment: This sequence change replaces glutamic acid, which is acidic and polar, with glycine, which is neutral and non-polar, at codon 553 of the CAPN3 protein (p.Glu553Gly). This variant is not present in population databases (gnomAD no frequency). This variant has not been reported in the literature in individuals affected with CAPN3-related conditions. Advanced modeling of protein sequence and biophysical properties (such as structural, functional, and spatial information, amino acid conservation, physicochemical variation, residue mobility, and thermodynamic stability) performed at Invitae indicates that this missense variant is expected to disrupt CAPN3 protein function with a positive predictive value of 80%. Algorithms developed to predict the effect of sequence changes on RNA splicing suggest that this variant may create or strengthen a splice site. This variant disrupts the p.Glu553 amino acid residue in CAPN3. Other variant(s) that disrupt this residue have been determined to be pathogenic (PMID: 11731278, 15689361, 20044116, 21204801). This suggests that this residue is clinically significant, and that variants that disrupt this residue are likely to be disease-causing. In summary, the available evidence is currently insufficient to determine the role of this variant in disease. Therefore, it has been classified as a Variant of Uncertain Significance.

Literature cited by the submitters: PubMed 11731278; PubMed 15689361; PubMed 20044116; PubMed 21204801.

NM_000070.3(CAPN3):c.1658A>G (p.Glu553Gly)

Gene: CAPN3 (calpain 3; plus strand). Cytogenetic location: 15q15.1.
Variant type: single nucleotide variant.
Coding change: c.1658A>G on transcript NM_000070.3 (MANE Select); coding-DNA position 1658, A replaced by G.
Protein change: p.Glu553Gly; replaces glutamic acid 553 with glycine.
Molecular consequence: missense variant.
Genome position (GRCh38, 1-based): chr15:42,402,915, A>G. VCF-style: chr15-42402915-A-G. GRCh37 (hg19) VCF-style: chr15-42695113-A-G.
Other names: c.1658A>G, p.Glu553Gly (NM_024344.2); c.1514A>G, p.Glu505Gly (NM_173087.2); c.122A>G, p.Glu41Gly (NM_173088.2); short protein forms E505G, E41G, E553G.
Identifiers: ClinVar variation 3643993 (VCV003643993.2).